The following is an entry in ClinVar:

NM_001379110.1(SLC9A6):c.609T>G (p.Phe203Leu)

Gene: SLC9A6 (solute carrier family 9 member A6; plus strand). Cytogenetic location: Xq26.3.
Variant type: single nucleotide variant.
Coding change: c.609T>G on transcript NM_001379110.1 (MANE Select); coding-DNA position 609, T replaced by G.
Protein change: p.Phe203Leu; replaces phenylalanine 203 with leucine.
Molecular consequence: missense variant.
Genome position (GRCh38, 1-based): chrX:135,998,940, T>G. VCF-style: chrX-135998940-T-G. GRCh37 (hg19) VCF-style: chrX-135081099-T-G.
Other names: c.765T>G, p.Phe255Leu (NM_001042537.2); c.609T>G, p.Phe203Leu (NM_001177651.2, NM_001400909.1, NM_001400910.1 and 2 more transcripts); c.513T>G, p.Phe171Leu (NM_001330652.2, NM_001400913.1); c.669T>G, p.Phe223Leu (NM_006359.3); short protein forms F203L, F223L, F255L, F171L.
Identifiers: ClinVar variation 2697073 (VCV002697073.3), dbSNP rs2521189382, ClinGen allele CA414750247.

ClinVar aggregate classification (germline): Uncertain significance (1 of 4 stars; one submission).

Conditions:
Christianson syndrome (MRXSCH). Also called: X-linked mental retardation, syndromic, Christianson type; SLC9A6-Related Syndromic Mental Retardation; INTELLECTUAL DEVELOPMENTAL DISORDER, X-LINKED, SYNDROMIC, CHRISTIANSON TYPE. Identifiers: Orphanet 85278, MedGen C2678194, MONDO:0010278, OMIM 300243.

Submission:

Labcorp Genetics (formerly Invitae), Labcorp
Classification: Uncertain significance for Christianson syndrome. Last evaluated: 2023-11-18. Review status: criteria provided, single submitter. Criteria: Invitae Variant Classification Sherloc (09022015). Collection method: clinical testing. Allele origin: germline.
Comment: This sequence change replaces phenylalanine, which is neutral and non-polar, with leucine, which is neutral and non-polar, at codon 223 of the SLC9A6 protein (p.Phe223Leu). This variant is not present in population databases (gnomAD no frequency). This variant has not been reported in the literature in individuals affected with SLC9A6-related conditions. Advanced modeling of protein sequence and biophysical properties (such as structural, functional, and spatial information, amino acid conservation, physicochemical variation, residue mobility, and thermodynamic stability) performed at Invitae indicates that this missense variant is not expected to disrupt SLC9A6 protein function with a negative predictive value of 80%. In summary, the available evidence is currently insufficient to determine the role of this variant in disease. Therefore, it has been classified as a Variant of Uncertain Significance.